The following is an entry in ClinVar:

NM_022835.3(PLEKHG2):c.1336C>A (p.Pro446Thr)

Gene: PLEKHG2 (pleckstrin homology and RhoGEF domain containing G2; plus strand). Cytogenetic location: 19q13.2.
Variant type: single nucleotide variant.
Coding change: c.1336C>A on transcript NM_022835.3 (MANE Select); coding-DNA position 1336, C replaced by A.
Protein change: p.Pro446Thr; replaces proline 446 with threonine.
Molecular consequence: missense variant.
Genome position (GRCh38, 1-based): chr19:39,420,789, C>A. VCF-style: chr19-39420789-C-A. GRCh37 (hg19) VCF-style: chr19-39911429-C-A.
Other names: c.1159C>A, p.Pro387Thr (NM_001351693.2); c.1336C>A, p.Pro446Thr (NM_001351694.2); short protein forms P387T, P446T.
Identifiers: ClinVar variation 2123541 (VCV002123541.4), dbSNP rs1328492603, ClinGen allele CA405792961.

ClinVar aggregate classification (germline): Uncertain significance (1 of 4 stars; one submission).

Submission:

Labcorp Genetics (formerly Invitae), Labcorp
Classification: Uncertain significance. Last evaluated: 2025-03-07. Review status: criteria provided, single submitter. Criteria: Invitae Variant Classification Sherloc (09022015). Collection method: clinical testing. Allele origin: germline.
Comment: This sequence change replaces proline, which is neutral and non-polar, with threonine, which is neutral and polar, at codon 446 of the PLEKHG2 protein (p.Pro446Thr). This variant is not present in population databases (gnomAD no frequency). This variant has not been reported in the literature in individuals affected with PLEKHG2-related conditions. ClinVar contains an entry for this variant (Variation ID: 2123541). An algorithm developed to predict the effect of missense changes on protein structure and function (PolyPhen-2) suggests that this variant is likely to be tolerated. In summary, the available evidence is currently insufficient to determine the role of this variant in disease. Therefore, it has been classified as a Variant of Uncertain Significance.